The following is an entry in ClinVar:

ClinVar aggregate classification (germline): Uncertain significance (1 of 4 stars; one submission).

Allele frequency attached by ClinVar (database versions not stated): TOPMed below 0.00001.

Submission:

GeneDx
Classification: Uncertain significance. Last evaluated: 2022-04-15. Review status: criteria provided, single submitter. Criteria: GeneDx Variant Classification Process June 2021. Collection method: clinical testing. Allele origin: germline. Affected: yes.
Comment: Not observed at significant frequency in large population cohorts (gnomAD); In silico analysis supports that this missense variant has a deleterious effect on protein structure/function; Has not been previously published as pathogenic or benign to our knowledge

NM_138691.3(TMC1):c.464A>C (p.Lys155Thr)

Gene: TMC1 (transmembrane channel like 1; plus strand). Cytogenetic location: 9q21.13.
Variant type: single nucleotide variant.
Coding change: c.464A>C on transcript NM_138691.3 (MANE Select); coding-DNA position 464, A replaced by C.
Protein change: p.Lys155Thr; replaces lysine 155 with threonine.
Molecular consequence: missense variant.
Genome position (GRCh38, 1-based): chr9:72,742,454, A>C. VCF-style: chr9-72742454-A-C. GRCh37 (hg19) VCF-style: chr9-75357370-A-C.
Other names: short protein forms K155T.
Identifiers: ClinVar variation 1710741 (VCV001710741.2), dbSNP rs1827406208, ClinGen allele CA373495275.